The following is an entry in ClinVar:

NM_006648.4(WNK2):c.5273C>T (p.Thr1758Ile)

Gene: WNK2 (WNK lysine deficient protein kinase 2; plus strand). Cytogenetic location: 9q22.31.
Variant type: single nucleotide variant.
Coding change: c.5273C>T on transcript NM_006648.4 (MANE Select); coding-DNA position 5273, C replaced by T.
Protein change: p.Thr1758Ile; replaces threonine 1758 with isoleucine.
Molecular consequence: missense variant.
Genome position (GRCh38, 1-based): chr9:93,292,738, C>T. VCF-style: chr9-93292738-C-T. GRCh37 (hg19) VCF-style: chr9-96055020-C-T.
Other names: c.5384C>T, p.Thr1795Ile (NM_001282394.3); short protein forms T1758I, T1795I.
Identifiers: ClinVar variation 3981914 (VCV003981914.1).
Genomic context (GRCh38, chr9:93,292,738, plus strand): 5'-TCAGCTCACCAGCCAAGACTGTGGGCCGTTTCTCGGTGGTCAGCACTCAGGACGAGTGGA[C>T]CCTGGCCTCCCCCCACAGCCTGAGATACTCTGCCCCACCCGACGTCTACCTGGACGAGGC-3'
Protein context (NP_006639.3, residues 1748-1768): FSVVSTQDEW[Thr1758Ile]LASPHSLRYS

ClinVar aggregate classification (germline): Uncertain significance (1 of 4 stars; one submission).

Submission:

Ambry Genetics
Classification: Uncertain significance. Last evaluated: 2025-04-18. Review status: criteria provided, single submitter. Criteria: Ambry Variant Classification Scheme 2023. Collection method: clinical testing. Allele origin: germline.
Comment: The p.T1758I variant (also known as c.5273C>T), located in coding exon 22 of the WNK2 gene, results from a C to T substitution at nucleotide position 5273. The threonine at codon 1758 is replaced by isoleucine, an amino acid with similar properties. This amino acid position is conserved. In addition, the in silico prediction for this alteration is inconclusive. Based on the available evidence, the clinical significance of this variant remains unclear.